The following is an entry in ClinVar:

NM_000548.5(TSC2):c.5121C>G (p.Asn1707Lys)

Gene: TSC2 (TSC complex subunit 2; plus strand). Cytogenetic location: 16p13.3.
Variant type: single nucleotide variant.
Coding change: c.5121C>G on transcript NM_000548.5 (MANE Select); coding-DNA position 5121, C replaced by G.
Protein change: p.Asn1707Lys; replaces asparagine 1707 with lysine.
Molecular consequence: missense variant.
Genome position (GRCh38, 1-based): chr16:2,088,100, C>G. VCF-style: chr16-2088100-C-G. GRCh37 (hg19) VCF-style: chr16-2138101-C-G.
Other names: c.4920C>G, p.Asn1640Lys (NM_001077183.3); c.5052C>G, p.Asn1684Lys (NM_001114382.3); c.4812C>G, p.Asn1604Lys (NM_001318827.2); c.4776C>G, p.Asn1592Lys (NM_001318829.2); c.4389C>G, p.Asn1463Lys (NM_001318831.2); c.4953C>G, p.Asn1651Lys (NM_001318832.2); c.4923C>G, p.Asn1641Lys (NM_001363528.2); c.4989C>G, p.Asn1663Lys (NM_001370404.1); and 1 more; short protein forms N1604K, N1684K, N1640K, N1663K, N1664K, N1592K, N1651K, N1463K.
Identifiers: ClinVar variation 1484150 (VCV001484150.8), dbSNP rs2151621840, ClinGen allele CA394312386.
Genomic context (GRCh38, chr16:2,088,100, plus strand): 5'-CTCCCCAGACATGGAGGGCCTTGTGGACACCAGCGTGGCCAAGATCGTGTCTGACCGCAA[C>G]CTGCCCTTCGTGGCCCGCCAGATGGCCCTGCACGCAAATGTGAGTGGGGGTGGGTCCAGG-3'
Protein context (NP_000539.2, residues 1697-1717): TSVAKIVSDR[Asn1707Lys]LPFVARQMAL

ClinVar aggregate classification (germline): Uncertain significance (1 of 4 stars; one submission).

Conditions:
Tuberous sclerosis 2 (TSC2). Identifiers: Orphanet 805, MedGen C1860707, MONDO:0013199, OMIM 613254.

gnomAD v4.1: 1 of 1,612,938 alleles (0.000062%); highest among the groups gnomAD compares: South Asian, 0.0011%; no homozygotes.

Submission:

Labcorp Genetics (formerly Invitae), Labcorp
Classification: Uncertain significance for Tuberous sclerosis 2. Last evaluated: 2021-04-20. Review status: criteria provided, single submitter. Criteria: Invitae Variant Classification Sherloc (09022015). Collection method: clinical testing. Allele origin: germline.
Comment: In summary, the available evidence is currently insufficient to determine the role of this variant in disease. Therefore, it has been classified as a Variant of Uncertain Significance. This sequence change replaces asparagine with lysine at codon 1707 of the TSC2 protein (p.Asn1707Lys). The asparagine residue is highly conserved and there is a moderate physicochemical difference between asparagine and lysine. This variant is not present in population databases (ExAC no frequency). This variant has not been reported in the literature in individuals with TSC2-related conditions. Advanced modeling of protein sequence and biophysical properties (such as structural, functional, and spatial information, amino acid conservation, physicochemical variation, residue mobility, and thermodynamic stability) performed at Invitae indicates that this missense variant is not expected to disrupt TSC2 protein function.